The following is an entry in ClinVar:

NM_000284.4(PDHA1):c.650C>G (p.Pro217Arg)

Gene: PDHA1 (pyruvate dehydrogenase E1 subunit alpha 1; plus strand). Cytogenetic location: Xp22.12.
Variant type: single nucleotide variant.
Coding change: c.650C>G on transcript NM_000284.4 (MANE Select); coding-DNA position 650, C replaced by G.
Protein change: p.Pro217Arg; replaces proline 217 with arginine.
Molecular consequence: missense variant.
Genome position (GRCh38, 1-based): chrX:19,355,395, C>G. VCF-style: chrX-19355395-C-G. GRCh37 (hg19) VCF-style: chrX-19373513-C-G.
Other names: c.764C>G, p.Pro255Arg (NM_001173454.2); c.671C>G, p.Pro224Arg (NM_001173455.2); c.557C>G, p.Pro186Arg (NM_001173456.2); short protein forms P186R, P217R, P224R, P255R.
Identifiers: ClinVar variation 4070354 (VCV004070354.2).

ClinVar aggregate classification (germline): VUS-low. Review status: criteria provided, single submitter (1 of 4 stars). 2 submissions from 2 submitters: VUS-low (1). 1 of the submissions does not count toward it. Last evaluated 2026-03-09.

Conditions:
Pyruvate dehydrogenase E1-alpha deficiency (PDHAD). Also called: ATAXIA, INTERMITTENT, WITH PYRUVATE DEHYDROGENASE DEFICIENCY; ATAXIA WITH LACTIC ACIDOSIS I; ATAXIA, INTERMITTENT, WITH ABNORMAL PYRUVATE METABOLISM; Ataxia, intermittent, with pyruvate dehydrogenase, or decarboxylase, deficiency. Identifiers: Orphanet 79243, MedGen C1839413, MONDO:0010717, OMIM 312170.

Submissions (2):

Centro de Investigaciones en Bioquimica Clinica e Inmunologia, Consejo Nacional de Investigaciones Científicas y Técnicas
Classification: VUS-low for Pyruvate dehydrogenase E1-alpha deficiency. Last evaluated: 2026-03-09. Review status: criteria provided, single submitter. Criteria: ACMG Guidelines, 2015. Collection method: research. Allele origin: germline. Inheritance: X-linked dominant inheritance. Affected: yes. Observed: 1 variant allele.
Comment: The variant is absent or extremely rare in population databases, including gnomAD (PM2). Computational evidence supports a deleterious effect on the gene product based on in silico prediction tools (PP3). However, the currently available evidence is insufficient to support a pathogenic or benign classification. Therefore, this variant is classified as a Variant of Uncertain Significance (VUS).

PDHA1 Study Group, University Children’s Hospital, Paracelsus Medical University
Classification: Pathogenic for Pyruvate dehydrogenase E1-alpha deficiency. Last evaluated: 2024-10-15. Review status: no assertion criteria provided. Collection method: research. Allele origin: de novo. Affected: yes. Observed: 1 variant allele. Not counted in ClinVar's aggregate classification.
Comment: The NM_000284.3:c.650C>G (p.Pro217Arg) substitution is a missense variant in PDHA1 gene. Among them, 1 case had confirmed de novo occurrence. The variant has been reported in 1 published case (PMIDs: 21914562). Last literature search: July 12, 2024. This variant is absent or extremely rare in population-based cohorts in the Genome Aggregation Database (gnomAD). Individuals harboring this variant presented with clinical features compatible with PDHA1-related PDHc deficiency. In summary, this variant meets criteria to be classified as pathogenic (P) for PDHA1-related PDHc deficiency based on the ACMG/AMP criteria applied: PS2, PS3, PM1, PM2, PP3 (last assessment October 15, 2024).

Literature cited by the submitters: PubMed 21914562 (cited by PDHA1 Study Group, University Children’s Hospital, Paracelsus Medical University); DOI 10.1093/brain/awaf430 (cited by PDHA1 Study Group, University Children’s Hospital, Paracelsus Medical University).